The following is an entry in ClinVar:

NM_144687.4(NLRP12):c.412C>G (p.Arg138Gly)

Gene: NLRP12 (NLR family pyrin domain containing 12; minus strand). Cytogenetic location: 19q13.42.
Variant type: single nucleotide variant.
Coding change: c.412C>G on transcript NM_144687.4 (MANE Select); coding-DNA position 412, C replaced by G.
Protein change: p.Arg138Gly; replaces arginine 138 with glycine.
Molecular consequence: missense variant.
Genome position (GRCh38, 1-based): chr19:53,811,247, G>C on the plus strand (C>G on the coding strand, the complement: NLRP12 is on the minus strand). VCF-style: chr19-53811247-G-C. GRCh37 (hg19) VCF-style: chr19-54314501-G-C.
Other names: c.412C>G, p.Arg138Gly (NM_001277126.2, NM_001277129.1); short protein forms R138G.
Identifiers: ClinVar variation 3347985 (VCV003347985.2).

ClinVar aggregate classification (germline): Uncertain significance. Review status: criteria provided, single submitter (1 of 4 stars). 2 submissions from 2 submitters: Uncertain significance (1). 1 of the submissions does not count toward it. Last evaluated 2025-08-01.

Conditions:
NLRP12-related disorder. Also called: NLRP12-related conditions; NLRP12-related condition.
Familial cold autoinflammatory syndrome 2 (FCAS2). Identifiers: Orphanet 247868, MedGen C2673198, MONDO:0012724, OMIM 611762.

gnomAD v4.1: 2 of 1,614,032 alleles (0.00012%); highest among the groups gnomAD compares: Non-Finnish European, 0.00017%; no homozygotes.

Submissions (2):

Labcorp Genetics (formerly Invitae), Labcorp
Classification: Uncertain significance for Familial cold autoinflammatory syndrome 2. Last evaluated: 2025-08-01. Review status: criteria provided, single submitter. Criteria: Invitae Variant Classification Sherloc (09022015). Collection method: clinical testing. Allele origin: germline.
Comment: This sequence change replaces arginine, which is basic and polar, with glycine, which is neutral and non-polar, at codon 138 of the NLRP12 protein (p.Arg138Gly). This variant is not present in population databases (gnomAD no frequency). This variant has not been reported in the literature in individuals affected with NLRP12-related conditions. ClinVar contains an entry for this variant (Variation ID: 3347985). An algorithm developed to predict the effect of missense changes on protein structure and function (PolyPhen-2) suggests that this variant is likely to be disruptive. In summary, the available evidence is currently insufficient to determine the role of this variant in disease. Therefore, it has been classified as a Variant of Uncertain Significance.

PreventionGenetics, part of Exact Sciences
Classification: Uncertain significance for NLRP12-related condition. Last evaluated: 2024-08-19. Review status: no assertion criteria provided. Collection method: clinical testing. Allele origin: germline. Not counted in ClinVar's aggregate classification.
Comment: The NLRP12 c.412C>G variant is predicted to result in the amino acid substitution p.Arg138Gly. To our knowledge, this variant has not been reported in the literature or in a large population database, indicating this variant is rare. At this time, the clinical significance of this variant is uncertain due to the absence of conclusive functional and genetic evidence.